The following is an entry in ClinVar:

ClinVar aggregate classification (germline): Uncertain significance (1 of 4 stars; one submission).

Conditions:
Hereditary cancer-predisposing syndrome. Also called: Hereditary neoplastic syndrome; Hereditary Cancer Syndrome; Neoplastic Syndromes, Hereditary; Tumor predisposition. Identifiers: Orphanet 140162, MedGen C0027672, MeSH D009386, MONDO:0015356.

Submission:

Ambry Genetics
Classification: Uncertain significance for Hereditary cancer-predisposing syndrome. Last evaluated: 2023-05-19. Review status: criteria provided, single submitter. Criteria: Ambry Variant Classification Scheme 2023. Collection method: clinical testing. Allele origin: germline.
Comment: The p.F1301C variant (also known as c.3902T>G), located in coding exon 26 of the ALK gene, results from a T to G substitution at nucleotide position 3902. The phenylalanine at codon 1301 is replaced by cysteine, an amino acid with highly dissimilar properties. This amino acid position is conserved. In addition, this alteration is predicted to be deleterious by in silico analysis. Since supporting evidence is limited at this time, the clinical significance of this alteration remains unclear.

NM_004304.5(ALK):c.3902T>G (p.Phe1301Cys)

Gene: ALK (ALK receptor tyrosine kinase; minus strand). Cytogenetic location: 2p23.2.
Variant type: single nucleotide variant.
Coding change: c.3902T>G on transcript NM_004304.5 (MANE Select); coding-DNA position 3902, T replaced by G.
Protein change: p.Phe1301Cys; replaces phenylalanine 1301 with cysteine.
Molecular consequence: missense variant.
Genome position (GRCh38, 1-based): chr2:29,207,207, A>C on the plus strand (T>G on the coding strand, the complement: ALK is on the minus strand). VCF-style: chr2-29207207-A-C. GRCh37 (hg19) VCF-style: chr2-29430073-A-C.
Other names: c.698T>G, p.Phe233Cys (NM_001353765.2); short protein forms F1301C, F233C.
Identifiers: ClinVar variation 2566597 (VCV002566597.2), dbSNP rs2148152028, ClinGen allele CA346468648.